The following is an entry in ClinVar:

NM_000535.7(PMS2):c.2492T>A (p.Ile831Asn)

Gene: PMS2 (PMS1 homolog 2, mismatch repair system component; minus strand). Cytogenetic location: 7p22.1.
Variant type: single nucleotide variant.
Coding change: c.2492T>A on transcript NM_000535.7 (MANE Select); coding-DNA position 2492, T replaced by A.
Protein change: p.Ile831Asn; replaces isoleucine 831 with asparagine.
Molecular consequence: missense variant. On other transcripts: non-coding transcript variant (1).
Genome position (GRCh38, 1-based): chr7:5,973,496, A>T on the plus strand (T>A on the coding strand, the complement: PMS2 is on the minus strand). VCF-style: chr7-5973496-A-T. GRCh37 (hg19) VCF-style: chr7-6013127-A-T.
Other names: c.2087T>A, p.Ile696Asn (NM_001018040.1, NM_001322003.2, NM_001322004.2 and 12 more transcripts); c.2336T>A, p.Ile779Asn (NM_001322006.2); c.2174T>A, p.Ile725Asn (NM_001322007.2, NM_001322008.2, NM_001406883.1); c.2120T>A, p.Ile707Asn (NM_001322009.2, NM_001406887.1, NM_001406888.1); c.1931T>A, p.Ile644Asn (NM_001322010.2, NM_001406906.1, NM_001406907.1); c.1559T>A, p.Ile520Asn (NM_001322011.2, NM_001322012.2); c.1919T>A, p.Ile640Asn (NM_001322013.2, NM_001406908.1, NM_001406909.1); c.2525T>A, p.Ile842Asn (NM_001322014.2); and 20 more; short protein forms I520N, I644N, I673N, I765N, I779N, I790N, I795N, I831N.
Identifiers: ClinVar variation 2774119 (VCV002774119.2), dbSNP rs2128658411, ClinGen allele CA366734944.

ClinVar aggregate classification (germline): Uncertain significance (1 of 4 stars; one submission).

Conditions:
Hereditary cancer-predisposing syndrome. Also called: Hereditary neoplastic syndrome; Hereditary Cancer Syndrome; Neoplastic Syndromes, Hereditary; Tumor predisposition. Identifiers: Orphanet 140162, MedGen C0027672, MeSH D009386, MONDO:0015356.

Submission:

Color Diagnostics, LLC DBA Color Health
Classification: Uncertain significance for Hereditary cancer-predisposing syndrome. Last evaluated: 2023-05-31. Review status: criteria provided, single submitter. Criteria: ACMG Guidelines, 2015. Collection method: clinical testing. Allele origin: germline.
Comment: This missense variant replaces isoleucine with asparagine at codon 831 of the PMS2 protein. Computational prediction suggests that this variant may have deleterious impact on protein structure and function (internally defined REVEL score threshold >= 0.7, PMID: 27666373). To our knowledge, functional studies have not been reported for this variant. This variant has not been reported in individuals affected with PMS2-related disorders in the literature. This variant has not been identified in the general population by the Genome Aggregation Database (gnomAD). The available evidence is insufficient to determine the role of this variant in disease conclusively. Therefore, this variant is classified as a Variant of Uncertain Significance.